The following is an entry in ClinVar:

NM_006648.4(WNK2):c.6070A>T (p.Ile2024Phe)

Gene: WNK2 (WNK lysine deficient protein kinase 2; plus strand). Cytogenetic location: 9q22.31.
Variant type: single nucleotide variant.
Coding change: c.6070A>T on transcript NM_006648.4 (MANE Select); coding-DNA position 6070, A replaced by T.
Protein change: p.Ile2024Phe; replaces isoleucine 2024 with phenylalanine.
Molecular consequence: missense variant.
Genome position (GRCh38, 1-based): chr9:93,299,216, A>T. VCF-style: chr9-93299216-A-T. GRCh37 (hg19) VCF-style: chr9-96061498-A-T.
Other names: c.6181A>T, p.Ile2061Phe (NM_001282394.3); short protein forms I2061F, I2024F.
Identifiers: ClinVar variation 3982131 (VCV003982131.1).

ClinVar aggregate classification (germline): Uncertain significance (1 of 4 stars; one submission).

Submission:

Ambry Genetics
Classification: Uncertain significance. Last evaluated: 2025-05-29. Review status: criteria provided, single submitter. Criteria: Ambry Variant Classification Scheme 2023. Collection method: clinical testing. Allele origin: germline.
Comment: The p.I2024F variant (also known as c.6070A>T), located in coding exon 24 of the WNK2 gene, results from an A to T substitution at nucleotide position 6070. The isoleucine at codon 2024 is replaced by phenylalanine, an amino acid with highly similar properties. This amino acid position is conserved. In addition, the in silico prediction for this alteration is inconclusive. Based on the available evidence, the clinical significance of this variant remains unclear.